The following is an entry in ClinVar:

NM_006734.4(HIVEP2):c.1384G>T (p.Val462Phe)

Gene: HIVEP2 (HIVEP zinc finger 2; minus strand). Cytogenetic location: 6q24.2.
Variant type: single nucleotide variant.
Coding change: c.1384G>T on transcript NM_006734.4 (MANE Select); coding-DNA position 1384, G replaced by T.
Protein change: p.Val462Phe; replaces valine 462 with phenylalanine.
Molecular consequence: missense variant.
Genome position (GRCh38, 1-based): chr6:142,773,355, C>A on the plus strand (G>T on the coding strand, the complement: HIVEP2 is on the minus strand). VCF-style: chr6-142773355-C-A. GRCh37 (hg19) VCF-style: chr6-143094492-C-A.
Other names: short protein forms V462F.
Identifiers: ClinVar variation 2662593 (VCV002662593.5), dbSNP rs763622728, ClinGen allele CA365913955.

ClinVar aggregate classification (germline): Uncertain significance. Review status: criteria provided, multiple submitters, no conflicts (2 of 4 stars). 3 submissions from 3 submitters: Uncertain significance (3). Last evaluated 2026-01-21.

Conditions:
Inborn genetic diseases. Identifiers: MedGen C0950123, MeSH D030342.

gnomAD v4.1: 1 of 1,614,168 alleles (0.000062%); no homozygotes.

Submissions (3):

Labcorp Genetics (formerly Invitae), Labcorp
Classification: Uncertain significance. Last evaluated: 2026-01-21. Review status: criteria provided, single submitter. Criteria: Invitae Variant Classification Sherloc (09022015). Collection method: clinical testing. Allele origin: germline.
Comment: This sequence change replaces valine, which is neutral and non-polar, with phenylalanine, which is neutral and non-polar, at codon 462 of the HIVEP2 protein (p.Val462Phe). This variant is not present in population databases (gnomAD no frequency). This variant has not been reported in the literature in individuals affected with HIVEP2-related conditions. ClinVar contains an entry for this variant (Variation ID: 2662593). Invitae Evidence Modeling of protein sequence and biophysical properties (such as structural, functional, and spatial information, amino acid conservation, physicochemical variation, residue mobility, and thermodynamic stability) indicates that this missense variant is not expected to disrupt HIVEP2 protein function with a negative predictive value of 80%. In summary, the available evidence is currently insufficient to determine the role of this variant in disease. Therefore, it has been classified as a Variant of Uncertain Significance.

Ambry Genetics
Classification: Uncertain significance for Inborn genetic diseases. Last evaluated: 2023-12-16. Review status: criteria provided, single submitter. Criteria: Ambry Variant Classification Scheme 2023. Collection method: clinical testing. Allele origin: germline.

GeneDx
Classification: Uncertain significance. Last evaluated: 2023-05-16. Review status: criteria provided, single submitter. Criteria: GeneDx Variant Classification Process June 2021. Collection method: clinical testing. Allele origin: germline. Affected: yes.
Comment: Not observed at significant frequency in large population cohorts (gnomAD); In silico analysis supports that this missense variant does not alter protein structure/function; Has not been previously published as pathogenic or benign to our knowledge